The following is an entry in ClinVar:

NM_000916.4(OXTR):c.652G>A (p.Ala218Thr)

Gene: OXTR (oxytocin receptor; minus strand). Cytogenetic location: 3p25.3.
Variant type: single nucleotide variant.
Coding change: c.652G>A on transcript NM_000916.4 (MANE Select); coding-DNA position 652, G replaced by A.
Protein change: p.Ala218Thr; replaces alanine 218 with threonine.
Molecular consequence: missense variant.
Genome position (GRCh38, 1-based): chr3:8,767,536, C>T on the plus strand (G>A on the coding strand, the complement: OXTR is on the minus strand). VCF-style: chr3-8767536-C-T. GRCh37 (hg19) VCF-style: chr3-8809222-C-T.
Other names: c.652G>A, p.Ala218Thr (NM_001354653.2, NM_001354654.2, NM_001354655.2 and 1 more transcripts); short protein forms A218T.
Identifiers: ClinVar variation 1221201 (VCV001221201.4), dbSNP rs4686302, ClinGen allele CA2236552.

ClinVar aggregate classification (germline): Benign. Review status: criteria provided, multiple submitters, no conflicts (2 of 4 stars). 2 submissions from 2 submitters: Benign (2). Last evaluated 2020-04-29.

Allele frequency attached by ClinVar (database versions not stated): gnomAD 0.12011 and 0.11775; TOPMed 0.12759; 1000 Genomes Project 30x 0.14147; 1000 Genomes Project 0.14257; ExAC 0.14897; ESP Exome Variant Server 0.10381; gnomAD exomes 0.15347.

Submissions (2):

GeneDx
Classification: Benign. Last evaluated: 2020-04-29. Review status: criteria provided, single submitter. Criteria: GeneDx Variant Classification Process June 2021. Collection method: clinical testing. Allele origin: germline. Affected: yes.
Comment: This variant is associated with the following publications: (PMID: 23889750)

Breakthrough Genomics
Classification: Benign. Review status: criteria provided, single submitter. Criteria: ACMG Guidelines, 2015. Collection method: not provided. Allele origin: germline. Inheritance: Unknown mechanism. Affected: yes.